The following is an entry in ClinVar:

NM_080680.3(COL11A2):c.3005A>G (p.Lys1002Arg)

Gene: COL11A2 (collagen type XI alpha 2 chain; minus strand). Cytogenetic location: 6p21.32.
Variant type: single nucleotide variant.
Coding change: c.3005A>G on transcript NM_080680.3 (MANE Select); coding-DNA position 3005, A replaced by G.
Protein change: p.Lys1002Arg; replaces lysine 1002 with arginine.
Molecular consequence: missense variant.
Genome position (GRCh38, 1-based): chr6:33,172,087, T>C on the plus strand (A>G on the coding strand, the complement: COL11A2 is on the minus strand). VCF-style: chr6-33172087-T-C. GRCh37 (hg19) VCF-style: chr6-33139864-T-C.
Other names: c.2684A>G, p.Lys895Arg (NM_080679.3); c.2747A>G, p.Lys916Arg (NM_080681.3); short protein forms K916R, K1002R, K895R.
Identifiers: ClinVar variation 2013911 (VCV002013911.4), dbSNP rs1770172771, ClinGen allele CA363636685.

ClinVar aggregate classification (germline): Uncertain significance (1 of 4 stars; one submission).

Allele frequency attached by ClinVar (database versions not stated): TOPMed below 0.00001; gnomAD exomes below 0.00001.
gnomAD v4.1: 1 of 1,612,734 alleles (0.000062%); highest among the groups gnomAD compares: Non-Finnish European, 0.000085%; no homozygotes.

Submission:

Labcorp Genetics (formerly Invitae), Labcorp
Classification: Uncertain significance. Last evaluated: 2022-06-28. Review status: criteria provided, single submitter. Criteria: Invitae Variant Classification Sherloc (09022015). Collection method: clinical testing. Allele origin: germline.
Comment: In summary, the available evidence is currently insufficient to determine the role of this variant in disease. Therefore, it has been classified as a Variant of Uncertain Significance. Algorithms developed to predict the effect of sequence changes on RNA splicing suggest that this variant may disrupt the consensus splice site. Advanced modeling of protein sequence and biophysical properties (such as structural, functional, and spatial information, amino acid conservation, physicochemical variation, residue mobility, and thermodynamic stability) performed at Invitae indicates that this missense variant is not expected to disrupt COL11A2 protein function. This variant has not been reported in the literature in individuals affected with COL11A2-related conditions. This variant is not present in population databases (gnomAD no frequency). This sequence change replaces lysine, which is basic and polar, with arginine, which is basic and polar, at codon 1002 of the COL11A2 protein (p.Lys1002Arg).